The following is an entry in ClinVar:

ClinVar aggregate classification (germline): Conflicting classifications of pathogenicity. Review status: criteria provided, conflicting classifications (1 of 4 stars). 2 submissions from 2 submitters: Uncertain significance (1); Benign (1). Last evaluated 2025-06-22.

gnomAD v4.1: 12 of 1,614,010 alleles (0.00074%); highest among the groups gnomAD compares: African/African-American, 0.0027%; no homozygotes.

Submissions (2):

Labcorp Genetics (formerly Invitae), Labcorp
Classification: Benign. Last evaluated: 2025-06-22. Review status: criteria provided, single submitter. Criteria: Invitae Variant Classification Sherloc (09022015). Collection method: clinical testing. Allele origin: germline.

GeneDx
Classification: Uncertain significance. Last evaluated: 2016-10-03. Review status: criteria provided, single submitter. Criteria: GeneDx Variant Classification (06012015). Collection method: clinical testing. Allele origin: germline. Affected: yes.
Comment: The P550H variant in the ARID1A gene has not been reported previously as a pathogenic variant, nor as a benign variant, to our knowledge. The P550H variant was not observed in approximately 6500 individuals of European and African American ancestry in the NHLBI Exome Sequencing Project, indicating it is not a common benign variant in these populations. The P550H variant is a non-conservative amino acid substitution, which is likely to impact secondary protein structure as these residues differ in polarity, charge, size and/or other properties. This substitution occurs at a position that is conserved in mammals. However, in silico analysis is inconsistent in its predictions as to whether or not the variant is damaging to the protein structure/function. Therefore, we interpret P550H as a variant of uncertain significance.

NM_006015.6(ARID1A):c.1649C>A (p.Pro550His)

Gene: ARID1A (AT-rich interaction domain 1A; plus strand). Cytogenetic location: 1p36.11.
Variant type: single nucleotide variant.
Coding change: c.1649C>A on transcript NM_006015.6 (MANE Select); coding-DNA position 1649, C replaced by A.
Protein change: p.Pro550His; replaces proline 550 with histidine.
Molecular consequence: missense variant.
Genome position (GRCh38, 1-based): chr1:26,731,450, C>A. VCF-style: chr1-26731450-C-A. GRCh37 (hg19) VCF-style: chr1-27057941-C-A.
Other names: c.1649C>A, p.Pro550His (NM_139135.4); c.1649C>A (LRG_875t1); short protein forms P550H.
Identifiers: ClinVar variation 389493 (VCV000389493.7), dbSNP rs761975620, ClinGen allele CA16603686.